The following is an entry in ClinVar:

NM_016239.4(MYO15A):c.7817G>C (p.Arg2606Pro)

Gene: MYO15A (myosin XVA; plus strand). Cytogenetic location: 17p11.2.
Variant type: single nucleotide variant.
Coding change: c.7817G>C on transcript NM_016239.4 (MANE Select); coding-DNA position 7817, G replaced by C.
Protein change: p.Arg2606Pro; replaces arginine 2606 with proline.
Molecular consequence: missense variant.
Genome position (GRCh38, 1-based): chr17:18,151,875, G>C. VCF-style: chr17-18151875-G-C. GRCh37 (hg19) VCF-style: chr17-18055189-G-C.
Other names: short protein forms R2606P.
Identifiers: ClinVar variation 3764579 (VCV003764579.1).

ClinVar aggregate classification (germline): Uncertain significance (1 of 4 stars; one submission).

Conditions:
Autosomal recessive nonsyndromic hearing loss 3. Also called: NEUROSENSORY NONSYNDROMIC RECESSIVE DEAFNESS 3. Identifiers: Orphanet 90636, MedGen C1838263, MONDO:0010860, OMIM 600316.

gnomAD v4.1: 10 of 1,578,310 alleles (0.00063%); highest among the groups gnomAD compares: East Asian, 0.016%; no homozygotes.

Submission:

Daryl Scott Lab, Baylor College of Medicine
Classification: Uncertain significance for Autosomal recessive nonsyndromic hearing loss 3. Last evaluated: 2024-01-01. Review status: criteria provided, single submitter. Criteria: ACMG Guidelines, 2015. Collection method: clinical testing. Allele origin: maternal. Observed: 1 heterozygote.
Comment: PM2